The following is an entry in ClinVar:

ClinVar aggregate classification (germline): Uncertain significance (1 of 4 stars; one submission).

Conditions:
Autoimmune interstitial lung disease-arthritis syndrome. Also called: Autoinflammation and autoimmunity, systemic, with immune dysregulation. Identifiers: Orphanet 444092, MedGen C5975714, MONDO:0014629.

Allele frequency attached by ClinVar (database versions not stated): TOPMed below 0.00001; gnomAD 0.00001.

Submission:

Labcorp Genetics (formerly Invitae), Labcorp
Classification: Uncertain significance for Autoimmune interstitial lung disease-arthritis syndrome. Last evaluated: 2022-03-12. Review status: criteria provided, single submitter. Criteria: Invitae Variant Classification Sherloc (09022015). Collection method: clinical testing. Allele origin: germline.
Comment: This variant is not present in population databases (gnomAD no frequency). This sequence change replaces arginine, which is basic and polar, with tryptophan, which is neutral and slightly polar, at codon 281 of the COPA protein (p.Arg281Trp). This missense change has been observed in individual(s) with clinical features of autoimmune interstitial lung, joint, and kidney disease (PMID: 32040879, 32778887). In summary, the available evidence is currently insufficient to determine the role of this variant in disease. Therefore, it has been classified as a Variant of Uncertain Significance. Algorithms developed to predict the effect of sequence changes on RNA splicing suggest that this variant may create or strengthen a splice site. Algorithms developed to predict the effect of missense changes on protein structure and function are either unavailable or do not agree on the potential impact of this missense change (SIFT: "Deleterious"; PolyPhen-2: "Possibly Damaging"; Align-GVGD: "Class C0").

Literature cited by the submitters: PubMed 32040879; PubMed 32778887.

NM_004371.4(COPA):c.841C>T (p.Arg281Trp)

Gene: COPA (coat protein complex I subunit alpha; minus strand). Cytogenetic location: 1q23.2.
Variant type: single nucleotide variant.
Coding change: c.841C>T on transcript NM_004371.4 (MANE Select); coding-DNA position 841, C replaced by T.
Protein change: p.Arg281Trp; replaces arginine 281 with tryptophan.
Molecular consequence: missense variant.
Genome position (GRCh38, 1-based): chr1:160,313,991, G>A on the plus strand (C>T on the coding strand, the complement: COPA is on the minus strand). VCF-style: chr1-160313991-G-A. GRCh37 (hg19) VCF-style: chr1-160283781-G-A.
Other names: c.841C>T, p.Arg281Trp (NM_001098398.2); short protein forms R281W.
Identifiers: ClinVar variation 1928121 (VCV001928121.5), dbSNP rs1380526285, ClinGen allele CA343263405.